The following is an entry in ClinVar:

ClinVar aggregate classification (germline): Uncertain significance (1 of 4 stars; one submission).

gnomAD v4.1: 6 of 1,613,658 alleles (0.00037%); highest among the groups gnomAD compares: African/African-American, 0.0013%; no homozygotes.

Submission:

GeneDx
Classification: Uncertain significance. Last evaluated: 2025-03-11. Review status: criteria provided, single submitter. Criteria: GeneDx Variant Classification Process June 2021. Collection method: clinical testing. Allele origin: germline. Affected: yes.
Comment: Not observed at significant frequency in large population cohorts (gnomAD); In silico analysis supports that this missense variant has a deleterious effect on protein structure/function; Has not been previously published as pathogenic or benign to our knowledge

NM_001148.6(ANK2):c.4159G>A (p.Gly1387Ser)

Gene: ANK2 (ankyrin 2; plus strand). Cytogenetic location: 4q26.
Variant type: single nucleotide variant.
Coding change: c.4159G>A on transcript NM_001148.6 (MANE Select); coding-DNA position 4159, G replaced by A.
Protein change: p.Gly1387Ser; replaces glycine 1387 with serine.
Molecular consequence: missense variant.
Genome position (GRCh38, 1-based): chr4:113,343,053, G>A. VCF-style: chr4-113343053-G-A. GRCh37 (hg19) VCF-style: chr4-114264209-G-A.
Other names: c.4156G>A, p.Gly1386Ser (NM_001354235.2, NM_001354246.2, NM_001354265.2); c.4057G>A, p.Gly1353Ser (NM_001354236.2); c.4237G>A, p.Gly1413Ser (NM_001354237.2); c.4129G>A, p.Gly1377Ser (NM_001354239.2, NM_001354252.2); c.4204G>A, p.Gly1402Ser (NM_001354240.2, NM_001354241.2, NM_001386144.1); c.4201G>A, p.Gly1401Ser (NM_001354242.2, NM_001354231.2); c.4096G>A, p.Gly1366Ser (NM_001354243.2, NM_001354255.2, NM_001386143.1); c.4093G>A, p.Gly1365Ser (NM_001354244.2, NM_001354256.2, NM_001386161.1); and 31 more; short protein forms G1226S, G1259S, G1287S, G1292S, G1300S, G1312S, G1316S, G1320S.
Identifiers: ClinVar variation 4083285 (VCV004083285.1).
Genomic context (GRCh38, chr4:113,343,053, plus strand): 5'-TTATTTCTCTCTGTTTTCACTCAGGTGTTAGAAGGAAAACCCATCTACGTTGATTGTTTC[G>A]GCAACTTGGTACCATTAACTAAAAGTGGCCAGCATCATATATTCAGTTTTTTTGCCTTCA-3'
Protein context (NP_001139.3, residues 1377-1397): EGKPIYVDCF[Gly1387Ser]NLVPLTKSGQ